The following is an entry in ClinVar:

NM_000350.3(ABCA4):c.2918+447T>C

Gene: ABCA4 (ATP binding cassette subfamily A member 4; minus strand). Cytogenetic location: 1p22.1.
Variant type: single nucleotide variant.
Coding change: c.2918+447T>C on transcript NM_000350.3 (MANE Select); 447 bases into the intron after coding-DNA position 2918, T replaced by C.
Molecular consequence: intron variant.
Genome position (GRCh38, 1-based): chr1:94,046,472, A>G on the plus strand (T>C on the coding strand, the complement: ABCA4 is on the minus strand). VCF-style: chr1-94046472-A-G. GRCh37 (hg19) VCF-style: chr1-94512028-A-G.
Other names: c.2696+447T>C (NM_001425324.1).
Identifiers: ClinVar variation 4992075 (VCV004992075.1).

ClinVar aggregate classification (germline): Uncertain significance (1 of 4 stars; one submission).

Conditions:
ABCA4-related disorder. Also called: ABCA4-related disorders; ABCA4-related condition. Identifiers: MedGen CN239167.

Submission:

PreventionGenetics, part of Exact Sciences
Classification: Uncertain significance for ABCA4-related condition. Last evaluated: 2025-09-23. Review status: criteria provided, single submitter. Criteria: ACMG Guidelines, 2015. Collection method: clinical testing. Allele origin: germline.
Comment: The ABCA4 c.2918+447T>C variant is predicted to interfere with splicing. To our knowledge, this deep intronic variant has not been reported in the literature. Other variants in this same intron (for examples: c.2919-884G>T, c.2919-826T>A, c.2919-774A>G) have been reported in individuals with retinal disease (see for example: Tian et al. 2022. PubMed ID: 35657619). This variant is present in 0.024% of alleles in individuals of African descent in gnomAD. At this time, the clinical significance of this variant is uncertain due to the absence of conclusive functional and genetic evidence.